The following is an entry in ClinVar:

ClinVar aggregate classification (germline): Uncertain significance. Review status: criteria provided, multiple submitters, no conflicts (2 of 4 stars). 2 submissions from 2 submitters: Uncertain significance (2). Last evaluated 2025-07-15.

Conditions:
DICER1-related tumor predisposition. Also called: DICER1 syndrome; DICER1-related pleuropulmonary blastoma cancer predisposition syndrome. Identifiers: Orphanet 284343, MedGen C3839822, MONDO:0100216.
Hereditary cancer-predisposing syndrome. Also called: Neoplastic Syndromes, Hereditary; Tumor predisposition; Hereditary Cancer Syndrome; Hereditary neoplastic syndrome. Identifiers: Orphanet 140162, MedGen C0027672, MeSH D009386, MONDO:0015356.

gnomAD v4.1: 1 of 1,613,168 alleles (0.000062%); highest among the groups gnomAD compares: Non-Finnish European, 0.000085%; no homozygotes.

Submissions (2):

Labcorp Genetics (formerly Invitae), Labcorp
Classification: Uncertain significance for DICER1-related tumor predisposition. Last evaluated: 2025-07-15. Review status: criteria provided, single submitter. Criteria: Invitae Variant Classification Sherloc (09022015). Collection method: clinical testing. Allele origin: germline.
Comment: This sequence change replaces isoleucine, which is neutral and non-polar, with valine, which is neutral and non-polar, at codon 1450 of the DICER1 protein (p.Ile1450Val). This variant is not present in population databases (gnomAD no frequency). This variant has not been reported in the literature in individuals affected with DICER1-related conditions. ClinVar contains an entry for this variant (Variation ID: 1739898). Invitae Evidence Modeling of protein sequence and biophysical properties (such as structural, functional, and spatial information, amino acid conservation, physicochemical variation, residue mobility, and thermodynamic stability) indicates that this missense variant is not expected to disrupt DICER1 protein function with a negative predictive value of 95%. In summary, the available evidence is currently insufficient to determine the role of this variant in disease. Therefore, it has been classified as a Variant of Uncertain Significance.

Ambry Genetics
Classification: Uncertain significance for Hereditary cancer-predisposing syndrome. Last evaluated: 2017-09-29. Review status: criteria provided, single submitter. Criteria: Ambry Variant Classification Scheme 2023. Collection method: clinical testing. Allele origin: germline.
Comment: The p.I1450V variant (also known as c.4348A>G), located in coding exon 22 of the DICER1 gene, results from an A to G substitution at nucleotide position 4348. The isoleucine at codon 1450 is replaced by valine, an amino acid with highly similar properties. This amino acid position is highly conserved in available vertebrate species. In addition, the in silico prediction for this alteration is inconclusive. Since supporting evidence is limited at this time, the clinical significance of this alteration remains unclear.

NM_177438.3(DICER1):c.4348A>G (p.Ile1450Val)

Gene: DICER1 (dicer 1, ribonuclease III; minus strand). Cytogenetic location: 14q32.13.
Variant type: single nucleotide variant.
Coding change: c.4348A>G on transcript NM_177438.3 (MANE Select); coding-DNA position 4348, A replaced by G.
Protein change: p.Ile1450Val; replaces isoleucine 1450 with valine.
Molecular consequence: missense variant. On other transcripts: non-coding transcript variant (6).
Genome position (GRCh38, 1-based): chr14:95,096,572, T>C on the plus strand (A>G on the coding strand, the complement: DICER1 is on the minus strand). VCF-style: chr14-95096572-T-C. GRCh37 (hg19) VCF-style: chr14-95562909-T-C.
Other names: c.4348A>G, p.Ile1450Val (NM_001195573.1, NM_001271282.3, NM_001291628.2 and 13 more transcripts); c.4066A>G, p.Ile1356Val (NM_001395686.1); c.3943A>G, p.Ile1315Val (NM_001395687.1, NM_001395688.1, NM_001395689.1 and 2 more transcripts); c.3781A>G, p.Ile1261Val (NM_001395691.1); c.2665A>G, p.Ile889Val (NM_001395697.1); short protein forms I1315V, I1356V, I1261V, I1450V, I889V.
Identifiers: ClinVar variation 1739898 (VCV001739898.7), dbSNP rs1430019327, ClinGen allele CA390869188.